The following is an entry in ClinVar:

NM_006514.4(SCN10A):c.5476GAG[1] (p.Glu1827del)

Gene: SCN10A (sodium voltage-gated channel alpha subunit 10; minus strand). Cytogenetic location: 3p22.2.
Variant type: Microsatellite.
Coding change: c.5476GAG[1] on transcript NM_006514.4 (MANE Select); one copy of the 3-base unit GAG starting at c.5476; the reference has two copies in a row; one copy, 3 bases deleted.
Protein change: p.Glu1827del; deletes glutamic acid 1827.
Molecular consequence: inframe deletion.
Genome position (GRCh38, 1-based): chr3:38,697,739-38,697,741, CTC deleted on the plus strand (GAG on the coding strand, the reverse complement: SCN10A is on the minus strand); deleting any 3 consecutive bases within chr3:38,697,739-38,697,745 gives the same sequence; the position shown is the placement nearest the transcript's 3' end. VCF-style (leftmost placement, unchanged base first): chr3-38697738-TCTC-T. GRCh37 (hg19) VCF-style: chr3-38739229-TCTC-T.
Other names: c.5479_5481delGAG (NM_006514.3, NM_006514.4); c.5473GAG[1], p.Glu1826del (NM_001293306.2); c.5182GAG[1], p.Glu1729del (NM_001293307.2); short protein forms E1827del, E1729del, E1826del.
Identifiers: ClinVar variation 660254 (VCV000660254.46), dbSNP rs772082757, ClinGen allele CA2319665.

ClinVar aggregate classification (germline): Conflicting classifications of pathogenicity. Review status: criteria provided, conflicting classifications (1 of 4 stars). 6 submissions from 6 submitters: Uncertain significance (4); Likely benign (2). Last evaluated 2026-08-14.

Conditions:
Cardiovascular phenotype. Identifiers: MedGen CN230736.
Brugada syndrome. Also called: Sudden unexplained nocturnal death syndrome; Sudden Unexplained Death Syndrome; Sudden Unexplained Nocturnal Death Syndrome (SUNDS); Sudden unexpected nocturnal death syndrome. Identifiers: Orphanet 130, MedGen C1142166, MONDO:0015263.
SCN10A-related disorder. Also called: SCN10A-related condition.

Submissions (6):

PreventionGenetics, part of Exact Sciences
Classification: Uncertain significance for SCN10A-related condition. Last evaluated: 2026-08-14. Review status: criteria provided, single submitter. Criteria: ACMG Guidelines, 2015. Collection method: clinical testing. Allele origin: germline.
Comment: The SCN10A c.5479_5481delGAG variant is predicted to result in an in-frame deletion (p.Glu1827del). To our knowledge, this variant has not been reported in the literature. This variant is reported in 0.013% of alleles in individuals of European (Non-Finnish) descent in gnomAD. Although we suspect that this variant may be benign, at this time, the clinical significance of this variant is uncertain due to the absence of conclusive functional and genetic evidence.

Labcorp Genetics (formerly Invitae), Labcorp
Classification: Uncertain significance for Brugada syndrome. Last evaluated: 2025-12-16. Review status: criteria provided, single submitter. Criteria: Invitae Variant Classification Sherloc (09022015). Collection method: clinical testing. Allele origin: germline.
Comment: This variant, c.5479_5481del, results in the deletion of 1 amino acid(s) of the SCN10A protein (p.Glu1827del), but otherwise preserves the integrity of the reading frame. This variant is present in population databases (rs772082757, gnomAD 0.01%). This variant has not been reported in the literature in individuals affected with SCN10A-related conditions. ClinVar contains an entry for this variant (Variation ID: 660254). Experimental studies and prediction algorithms are not available or were not evaluated, and the functional significance of this variant is currently unknown. In summary, the available evidence is currently insufficient to determine the role of this variant in disease. Therefore, it has been classified as a Variant of Uncertain Significance.

Women's Health and Genetics/Laboratory Corporation of America, LabCorp
Classification: Uncertain significance. Last evaluated: 2025-07-21. Review status: criteria provided, single submitter. Criteria: LabCorp Variant Classification Summary - May 2015. Collection method: clinical testing. Allele origin: germline.
Comment: Variant summary: SCN10A c.5479_5481delGAG (p.Glu1827del) results in an in-frame deletion that is predicted to remove one amino acids from the encoded protein. The variant allele was found at a frequency of 8.8e-05 in 251262 control chromosomes. This frequency is not significantly higher than estimated for a pathogenic variant in SCN10A causing Episodic pain syndrome, familial, 2, allowing no conclusion about variant significance. To our knowledge, no occurrence of c.5479_5481delGAG in individuals affected with Episodic pain syndrome, familial, 2 and no experimental evidence demonstrating its impact on protein function have been reported. ClinVar contains an entry for this variant (Variation ID: 660254). Based on the evidence outlined above, the variant was classified as uncertain significance.

Blueprint Genetics
Classification: Uncertain significance. Last evaluated: 2023-07-25. Review status: criteria provided, single submitter. Criteria: ACMG Guidelines, 2015. Collection method: clinical testing. Allele origin: germline.

CeGaT Center for Human Genetics Tuebingen
Classification: Likely benign. Last evaluated: 2021-12-01. Review status: criteria provided, single submitter. Criteria: CeGaT Center For Human Genetics Tuebingen Variant Classification Criteria Version 2. Collection method: clinical testing. Allele origin: germline. Affected: yes. Observed: 1 variant allele.

Ambry Genetics
Classification: Likely benign for Cardiovascular phenotype. Last evaluated: 2020-04-07. Review status: criteria provided, single submitter. Criteria: Ambry Variant Classification Scheme 2023. Collection method: clinical testing. Allele origin: germline.